The following is an entry in ClinVar:

ClinVar aggregate classification (germline): Uncertain significance (1 of 4 stars; one submission).

Submission:

GeneDx
Classification: Uncertain significance. Last evaluated: 2026-02-23. Review status: criteria provided, single submitter. Criteria: GeneDx Variant Classification Process June 2021. Collection method: clinical testing. Allele origin: germline.
Comment: Has not been previously published as pathogenic or benign to our knowledge; Not observed at significant frequency in large population cohorts (gnomAD); In silico analysis supports that this missense variant has a deleterious effect on protein structure/function

NM_013275.6(ANKRD11):c.7834G>A (p.Glu2612Lys)

Gene: ANKRD11 (ankyrin repeat domain 11; minus strand). Cytogenetic location: 16q24.3.
Variant type: single nucleotide variant.
Coding change: c.7834G>A on transcript NM_013275.6 (MANE Select); coding-DNA position 7834, G replaced by A.
Protein change: p.Glu2612Lys; replaces glutamic acid 2612 with lysine.
Molecular consequence: missense variant.
Genome position (GRCh38, 1-based): chr16:89,268,636, C>T on the plus strand (G>A on the coding strand, the complement: ANKRD11 is on the minus strand). VCF-style: chr16-89268636-C-T. GRCh37 (hg19) VCF-style: chr16-89335044-C-T.
Other names: c.7834G>A, p.Glu2612Lys (NM_001256182.2, NM_001256183.2); short protein forms E2612K.
Identifiers: ClinVar variation 4055837 (VCV004055837.2).